The following is an entry in ClinVar:

ClinVar aggregate classification (germline): Pathogenic (1 of 4 stars; one submission).

Submission:

Dasa
Classification: Pathogenic. Last evaluated: 2025-08-18. Review status: criteria provided, single submitter. Criteria: DASA Assertion Criteria. Collection method: clinical testing. Allele origin: germline.
Comment: NM_148960.3(CLDN19):c.389-2A>G introduces a premature termination codon predicted to result in loss of normal protein function. Loss-of-function is an established mechanism of disease for this gene. This variant has been observed in affected individuals with related phenotype in a genotype context consistent with recessive disease. The variant is present at low frequency in population datasets. Based on the available data, this variant is classified as pathogenic.

NM_148960.3(CLDN19):c.389-2A>G

Gene: CLDN19 (claudin 19; minus strand). Cytogenetic location: 1p34.2.
Variant type: single nucleotide variant.
Coding change: c.389-2A>G on transcript NM_148960.3 (MANE Select); the canonical splice acceptor site of the intron before coding-DNA position 389, A replaced by G.
Molecular consequence: splice acceptor variant. On other transcripts: intron variant (1).
Genome position (GRCh38, 1-based): chr1:42,738,315, T>C on the plus strand (A>G on the coding strand, the complement: CLDN19 is on the minus strand). VCF-style: chr1-42738315-T-C. GRCh37 (hg19) VCF-style: chr1-43203986-T-C.
Other names: c.388+106A>G (NM_001185117.2); c.389-2A>G (NM_001123395.2).
Identifiers: ClinVar variation 4851966 (VCV004851966.1).